The following is an entry in ClinVar:

ClinVar aggregate classification (germline): Uncertain significance. Review status: criteria provided, multiple submitters, no conflicts (2 of 4 stars). 2 submissions from 2 submitters: Uncertain significance (2). Last evaluated 2022-11-23.

Conditions:
Hereditary cancer-predisposing syndrome. Also called: Neoplastic Syndromes, Hereditary; Tumor predisposition; Hereditary Cancer Syndrome; Hereditary neoplastic syndrome. Identifiers: Orphanet 140162, MedGen C0027672, MeSH D009386, MONDO:0015356.
Acute myeloid leukemia (AML). Also called: Leukemia, acute myeloid, somatic; Leukemia, acute myelogenous, somatic; Acute myeloid leukemia, adult; AML adult; Acute non-lymphocytic leukemia; Acute granulocytic leukemia. Identifiers: Orphanet 519, MedGen C0023467, MeSH D015470, MONDO:0018874, OMIM 601626, HP:0004808. Disease mechanism: Constitutively activated FLT3.

Submissions (2):

Labcorp Genetics (formerly Invitae), Labcorp
Classification: Uncertain significance for Acute myeloid leukemia. Last evaluated: 2022-11-23. Review status: criteria provided, single submitter. Criteria: Invitae Variant Classification Sherloc (09022015). Collection method: clinical testing. Allele origin: germline.
Comment: This sequence change replaces glycine, which is neutral and non-polar, with alanine, which is neutral and non-polar, at codon 122 of the CEBPA protein (p.Gly122Ala). The frequency data for this variant in the population databases is considered unreliable, as metrics indicate insufficient coverage at this position in the gnomAD database. This variant has not been reported in the literature in individuals affected with CEBPA-related conditions. ClinVar contains an entry for this variant (Variation ID: 1692811). Advanced modeling of protein sequence and biophysical properties (such as structural, functional, and spatial information, amino acid conservation, physicochemical variation, residue mobility, and thermodynamic stability) performed at Invitae indicates that this missense variant is not expected to disrupt CEBPA protein function. In summary, the available evidence is currently insufficient to determine the role of this variant in disease. Therefore, it has been classified as a Variant of Uncertain Significance.

Sema4
Classification: Uncertain significance for Hereditary cancer-predisposing syndrome. Last evaluated: 2021-11-22. Review status: criteria provided, single submitter. Criteria: Sema4 Curation Guidelines. Collection method: curation. Allele origin: germline.
Comment: The CEBPA c.365G>C (p.G122A) variant has not been reported in the literature to our knowledge. It was not observed in the large and broad cohorts of the Genome Aggregation Database, nor has it been reported in ClinVar. In silico tools suggest the impact of the variant on protein function is benign, though these predictions have not been confirmed by functional studies. The evidence is insufficient to meet ACMG/AMP criteria for classifying the variant as benign or pathogenic. Thus, the clinical significance of this variant is currently uncertain.

NM_004364.5(CEBPA):c.365G>C (p.Gly122Ala)

Gene: CEBPA (CCAAT enhancer binding protein alpha; minus strand). Cytogenetic location: 19q13.11.
Variant type: single nucleotide variant.
Coding change: c.365G>C on transcript NM_004364.5 (MANE Select); coding-DNA position 365, G replaced by C.
Protein change: p.Gly122Ala; replaces glycine 122 with alanine.
Molecular consequence: missense variant.
Genome position (GRCh38, 1-based): chr19:33,302,050, C>G on the plus strand (G>C on the coding strand, the complement: CEBPA is on the minus strand). VCF-style: chr19-33302050-C-G. GRCh37 (hg19) VCF-style: chr19-33792956-C-G.
Other names: c.8G>C, p.Gly3Ala (NM_001285829.2); c.470G>C, p.Gly157Ala (NM_001287424.2); c.323G>C, p.Gly108Ala (NM_001287435.2); short protein forms G108A, G122A, G157A, G3A.
Identifiers: ClinVar variation 1692811 (VCV001692811.4), dbSNP rs1311096326, ClinGen allele CA405275104.
Genomic context (GRCh38, chr19:33,302,050, plus strand): 5'-CTGCCGTCCAGGTAGCCGGCGGCCGCGCAGCCGTAGCCGGGCGGGGGCCCGTGCGCTCCC[C>G]CGGGCATGACGGCGCCGCCGGGGCCCGCGGGCGCGCCCGGGTAGTCAAAGTCGCCGCCGC-3'
Protein context (NP_004355.2, residues 112-132): PAGPGGAVMP[Gly122Ala]GAHGPPPGYG